The following is an entry in ClinVar:

ClinVar aggregate classification (germline): Uncertain significance (1 of 4 stars; one submission).

Allele frequency attached by ClinVar (database versions not stated): gnomAD exomes 0.00003; ExAC 0.00004; TOPMed 0.00010; gnomAD 0.00019.
gnomAD v4.1: 68 of 1,613,894 alleles (0.0042%); highest among the groups gnomAD compares: Admixed American, 0.055%; no homozygotes.

Submission:

Labcorp Genetics (formerly Invitae), Labcorp
Classification: Uncertain significance. Last evaluated: 2023-10-17. Review status: criteria provided, single submitter. Criteria: Invitae Variant Classification Sherloc (09022015). Collection method: clinical testing. Allele origin: germline.
Comment: This sequence change replaces isoleucine, which is neutral and non-polar, with threonine, which is neutral and polar, at codon 141 of the AGAP1 protein (p.Ile141Thr). This variant is present in population databases (rs758794882, gnomAD 0.03%). This variant has not been reported in the literature in individuals affected with AGAP1-related conditions. An algorithm developed to predict the effect of missense changes on protein structure and function (PolyPhen-2) suggests that this variant is likely to be disruptive. In summary, the available evidence is currently insufficient to determine the role of this variant in disease. Therefore, it has been classified as a Variant of Uncertain Significance.

NM_001037131.3(AGAP1):c.422T>C (p.Ile141Thr)

Gene: AGAP1 (ArfGAP with GTPase domain, ankyrin repeat and PH domain 1; plus strand). Cytogenetic location: 2q37.2.
Variant type: single nucleotide variant.
Coding change: c.422T>C on transcript NM_001037131.3 (MANE Select); coding-DNA position 422, T replaced by C.
Protein change: p.Ile141Thr; replaces isoleucine 141 with threonine.
Molecular consequence: missense variant.
Genome position (GRCh38, 1-based): chr2:235,744,723, T>C. VCF-style: chr2-235744723-T-C. GRCh37 (hg19) VCF-style: chr2-236653367-T-C.
Other names: c.422T>C, p.Ile141Thr (NM_001244888.2, NM_001412122.1, NM_014914.5); short protein forms I141T.
Identifiers: ClinVar variation 2721046 (VCV002721046.3), dbSNP rs758794882, ClinGen allele CA2184382.
Genomic context (GRCh38, chr2:235,744,723, plus strand): 5'-CAGCTCCTGCTCTCCTCCCCTTCTTCTCTCCCTAGTTTGCCATGTGGGTGGACGCTGTTA[T>C]ATTTGTCTTCAGCTTGGAGGATGAAATAAGTTTCCAGACCGTTTACCACTACTACAGTCG-3'
Protein context (NP_001032208.1, residues 131-151): AQFAMWVDAV[Ile141Thr]FVFSLEDEIS